The following is an entry in ClinVar:

NM_000057.4(BLM):c.3113G>C (p.Arg1038Thr)

Gene: BLM (BLM RecQ like helicase; plus strand). Cytogenetic location: 15q26.1.
Variant type: single nucleotide variant.
Coding change: c.3113G>C on transcript NM_000057.4 (MANE Select); coding-DNA position 3113, G replaced by C.
Protein change: p.Arg1038Thr; replaces arginine 1038 with threonine.
Molecular consequence: missense variant.
Genome position (GRCh38, 1-based): chr15:90,794,260, G>C. VCF-style: chr15-90794260-G-C. GRCh37 (hg19) VCF-style: chr15-91337490-G-C.
Other names: c.3113G>C (LRG_20t1); c.3113G>C, p.Arg1038Thr (NM_001287246.2, NM_001287247.2); c.1988G>C, p.Arg663Thr (NM_001287248.2); short protein forms R1038T, R663T.
Identifiers: ClinVar variation 454128 (VCV000454128.12), dbSNP rs1555423425, ClinGen allele CA393846863.

ClinVar aggregate classification (germline): Uncertain significance. Review status: criteria provided, multiple submitters, no conflicts (2 of 4 stars). 3 submissions from 3 submitters: Uncertain significance (2). 1 of the submissions does not count toward it. Last evaluated 2022-03-07.

Conditions:
Hereditary cancer-predisposing syndrome. Also called: Hereditary Cancer Syndrome; Hereditary neoplastic syndrome; Neoplastic Syndromes, Hereditary; Tumor predisposition. Identifiers: Orphanet 140162, MedGen C0027672, MeSH D009386, MONDO:0015356.
Bloom syndrome (BLM). Also called: Bloom-Torre-Machacek syndrome. Identifiers: Orphanet 125, MedGen C0005859, MONDO:0008876, OMIM 210900.

Submissions (3):

Ambry Genetics
Classification: Uncertain significance for Hereditary cancer-predisposing syndrome. Last evaluated: 2022-03-07. Review status: criteria provided, single submitter. Criteria: Ambry Variant Classification Scheme 2023. Collection method: clinical testing. Allele origin: germline.
Comment: The p.R1038T variant (also known as c.3113G>C), located in coding exon 15 of the BLM gene, results from a G to C substitution at nucleotide position 3113. The arginine at codon 1038 is replaced by threonine, an amino acid with similar properties. This amino acid position is conserved. In addition, this alteration is predicted to be deleterious by in silico analysis. Since supporting evidence is limited at this time, the clinical significance of this alteration remains unclear.

Labcorp Genetics (formerly Invitae), Labcorp
Classification: Uncertain significance for Bloom syndrome. Last evaluated: 2017-06-25. Review status: criteria provided, single submitter. Criteria: Invitae Variant Classification Sherloc (09022015). Collection method: clinical testing. Allele origin: germline.
Comment: In summary, the available evidence is currently insufficient to determine the role of this variant in disease. Therefore, it has been classified as a Variant of Uncertain Significance. This sequence change replaces arginine with threonine at codon 1038 of the BLM protein (p.Arg1038Thr). The arginine residue is highly conserved and there is a moderate physicochemical difference between arginine and threonine. This variant is not present in population databases (ExAC no frequency). This variant has not been reported in the literature in individuals with BLM-related disease. Algorithms developed to predict the effect of missense changes on protein structure and function do not agree on the potential impact of this missense change (SIFT: "Deleterious"; PolyPhen-2: "Probably Damaging"; Align-GVGD: "Class C0").

Counsyl
Classification: Uncertain significance for Bloom syndrome. Last evaluated: 2018-04-11. Review status: no assertion criteria provided. Collection method: clinical testing. Allele origin: unknown. Not counted in ClinVar's aggregate classification.